The following is an entry in ClinVar:

ClinVar aggregate classification (germline): Likely pathogenic. Review status: criteria provided, multiple submitters, no conflicts (2 of 4 stars). 2 submissions from 2 submitters: Likely pathogenic (2). Last evaluated 2025-06-06.

Conditions:
Congenital contractural arachnodactyly (CCA). Also called: BEALS SYNDROME; Arthrogryposis, distal, type 9; Beals-Hecht syndrome. Identifiers: Orphanet 115, MedGen C0220668, MONDO:0007363, OMIM 121050.

Submissions (2):

Labcorp Genetics (formerly Invitae), Labcorp
Classification: Likely pathogenic for Congenital contractural arachnodactyly. Last evaluated: 2025-06-06. Review status: criteria provided, single submitter. Criteria: Invitae Variant Classification Sherloc (09022015). Collection method: clinical testing. Allele origin: germline.
Comment: This sequence change falls in intron 30 of the FBN2 gene. It does not directly change the encoded amino acid sequence of the FBN2 protein. This variant is not present in population databases (gnomAD no frequency). This variant has been observed in individual(s) with clinical features of congenital contractural arachnodactyly (internal data). ClinVar contains an entry for this variant (Variation ID: 2431415). Algorithms developed to predict the effect of sequence changes on RNA splicing suggest that this variant may disrupt the consensus splice site. In summary, the currently available evidence indicates that the variant is pathogenic, but additional data are needed to prove that conclusively. Therefore, this variant has been classified as Likely Pathogenic.

Laboratorio de Genetica e Diagnostico Molecular, Hospital Israelita Albert Einstein
Classification: Likely pathogenic for Congenital contractural arachnodactyly. Last evaluated: 2022-06-17. Review status: criteria provided, single submitter. Criteria: ACMG Guidelines, 2015. Collection method: clinical testing. Allele origin: germline. Affected: yes. Observed: 1 variant allele.
Comment: ACMG classification criteria: PM2 moderated, PM6 moderated, PP3 supporting, PP4

NM_001999.4(FBN2):c.3974-9A>G

Gene: FBN2 (fibrillin 2; minus strand). Cytogenetic location: 5q23.3.
Variant type: single nucleotide variant.
Coding change: c.3974-9A>G on transcript NM_001999.4 (MANE Select); 9 bases into the intron before coding-DNA position 3974, A replaced by G.
Molecular consequence: intron variant.
Genome position (GRCh38, 1-based): chr5:128,334,853, T>C on the plus strand (A>G on the coding strand, the complement: FBN2 is on the minus strand). VCF-style: chr5-128334853-T-C. GRCh37 (hg19) VCF-style: chr5-127670545-T-C.
Identifiers: ClinVar variation 2431415 (VCV002431415.4), dbSNP rs2479797387, ClinGen allele CA2580072568.